The following is an entry in ClinVar:

ClinVar aggregate classification (germline): Uncertain significance. Review status: criteria provided, multiple submitters, no conflicts (2 of 4 stars). 2 submissions from 2 submitters: Uncertain significance (2). Last evaluated 2025-04-21.

Allele frequency attached by ClinVar (database versions not stated): gnomAD exomes 0.00004; ExAC 0.00007; gnomAD 0.00017 and 0.00018; TOPMed 0.00024; ESP Exome Variant Server 0.00031.
gnomAD v4.1: 90 of 1,610,764 alleles (0.0056%); highest among the groups gnomAD compares: African/African-American, 0.059%; no homozygotes.

Submissions (2):

GeneDx
Classification: Uncertain significance. Last evaluated: 2025-04-21. Review status: criteria provided, single submitter. Criteria: GeneDx Variant Classification Process June 2021. Collection method: clinical testing. Allele origin: germline.
Comment: In silico analysis indicates that this missense variant does not alter protein structure/function; Has not been previously published as pathogenic or benign to our knowledge

Labcorp Genetics (formerly Invitae), Labcorp
Classification: Uncertain significance. Last evaluated: 2022-08-11. Review status: criteria provided, single submitter. Criteria: Invitae Variant Classification Sherloc (09022015). Collection method: clinical testing. Allele origin: germline.
Comment: This sequence change replaces arginine, which is basic and polar, with glutamine, which is neutral and polar, at codon 123 of the PDHX protein (p.Arg123Gln). This variant is present in population databases (rs150462412, gnomAD 0.06%). This variant has not been reported in the literature in individuals affected with PDHX-related conditions. ClinVar contains an entry for this variant (Variation ID: 1511402). Algorithms developed to predict the effect of missense changes on protein structure and function output the following: SIFT: "Tolerated"; PolyPhen-2: "Benign"; Align-GVGD: "Class C0". The glutamine amino acid residue is found in multiple mammalian species, which suggests that this missense change does not adversely affect protein function. In summary, the available evidence is currently insufficient to determine the role of this variant in disease. Therefore, it has been classified as a Variant of Uncertain Significance.

NM_003477.3(PDHX):c.368G>A (p.Arg123Gln)

Gene: PDHX (pyruvate dehydrogenase complex component X; plus strand). Cytogenetic location: 11p13.
Variant type: single nucleotide variant.
Coding change: c.368G>A on transcript NM_003477.3 (MANE Select); coding-DNA position 368, G replaced by A.
Protein change: p.Arg123Gln; replaces arginine 123 with glutamine.
Molecular consequence: missense variant. On other transcripts: intron variant (1).
Genome position (GRCh38, 1-based): chr11:34,957,409, G>A. VCF-style: chr11-34957409-G-A. GRCh37 (hg19) VCF-style: chr11-34978956-G-A.
Other names: c.188G>A, p.Arg63Gln (NM_001135024.2); c.342+9803G>A (NM_001166158.2); c.368G>A (NM_003477.2); short protein forms R63Q, R123Q.
Identifiers: ClinVar variation 1511402 (VCV001511402.7), dbSNP rs150462412, ClinGen allele CA5945853.